The following is an entry in ClinVar:

NM_001267550.2(TTN):c.63509-3C>G

Genes: TTN (titin; minus strand), TTN-AS1 (TTN antisense RNA 1; plus strand). Cytogenetic location: 2q31.2.
Variant type: single nucleotide variant.
Coding change: c.63509-3C>G on transcript NM_001267550.2 (MANE Select); 3 bases into the intron before coding-DNA position 63509, C replaced by G.
Molecular consequence: intron variant.
Genome position (GRCh38, 1-based): chr2:178,587,803, G>C on the plus strand (C>G on the coding strand, the complement: TTN is on the minus strand). VCF-style: chr2-178587803-G-C. GRCh37 (hg19) VCF-style: chr2-179452530-G-C.
Other names: c.36314-3C>G (NM_003319.4); c.36890-3C>G (NM_133437.4); c.36689-3C>G (NM_133432.3); c.55805-3C>G (NM_133378.4); c.58586-3C>G (NM_001256850.1).
Identifiers: ClinVar variation 3347461 (VCV003347461.1).

ClinVar aggregate classification (germline): Uncertain significance (0 of 4 stars; one submission).

Conditions:
TTN-related disorder. Also called: TTN-related disorders; TTN-related condition; TTN-related disease.

Submission:

PreventionGenetics, part of Exact Sciences
Classification: Uncertain significance for TTN-related condition. Last evaluated: 2024-08-10. Review status: no assertion criteria provided. Collection method: clinical testing. Allele origin: germline.
Comment: The TTN c.63509-3C>G variant is predicted to interfere with splicing. To our knowledge, this variant has not been reported in the literature or in a large population database, indicating this variant is rare. At this time, the clinical significance of this variant is uncertain due to the absence of conclusive functional and genetic evidence.